The following is an entry in ClinVar:

ClinVar aggregate classification (germline): Uncertain significance (1 of 4 stars; one submission).

Conditions:
Primary ciliary dyskinesia 27. Also called: CILIARY DYSKINESIA, PRIMARY, 27, WITHOUT SITUS INVERSUS. Identifiers: Orphanet 244, MedGen C3809701, MONDO:0014215, OMIM 615504.

Allele frequency attached by ClinVar (database versions not stated): gnomAD exomes below 0.00001.
gnomAD v4.1: 1 of 1,606,558 alleles (0.000062%); highest among the groups gnomAD compares: South Asian, 0.0011%; no homozygotes.

Submission:

Labcorp Genetics (formerly Invitae), Labcorp
Classification: Uncertain significance for Primary ciliary dyskinesia 27. Last evaluated: 2018-02-21. Review status: criteria provided, single submitter. Criteria: Invitae Variant Classification Sherloc (09022015). Collection method: clinical testing. Allele origin: germline.
Comment: In summary, the available evidence is currently insufficient to determine the role of this variant in disease. Therefore, it has been classified as a Variant of Uncertain Significance. Algorithms developed to predict the effect of missense changes on protein structure and function (SIFT, PolyPhen-2, Align-GVGD) all suggest that this variant is likely to be tolerated, but these predictions have not been confirmed by published functional studies and their clinical significance is uncertain. This variant has not been reported in the literature in individuals with CCDC65-related disease. This variant is not present in population databases (ExAC no frequency). This sequence change replaces histidine with tyrosine at codon 481 of the CCDC65 protein (p.His481Tyr). The histidine residue is weakly conserved and there is a moderate physicochemical difference between histidine and tyrosine.

NM_033124.5(DRC2):c.1441C>T (p.His481Tyr)

Gene: DRC2 (dynein regulatory complex subunit 2; plus strand). Cytogenetic location: 12q13.12.
Variant type: single nucleotide variant.
Coding change: c.1441C>T on transcript NM_033124.5 (MANE Select); coding-DNA position 1441, C replaced by T.
Protein change: p.His481Tyr; replaces histidine 481 with tyrosine.
Molecular consequence: missense variant.
Genome position (GRCh38, 1-based): chr12:48,921,429, C>T. VCF-style: chr12-48921429-C-T. GRCh37 (hg19) VCF-style: chr12-49315212-C-T.
Other names: c.1012C>T, p.His338Tyr (NM_001286957.2); short protein forms H481Y, H338Y.
Identifiers: ClinVar variation 581425 (VCV000581425.8), dbSNP rs1452755503, ClinGen allele CA384640022.
Genomic context (GRCh38, chr12:48,921,429, plus strand): 5'-TATCAAAGCAACTTACTCCAGCCCTTGTCCATACGTATAGCCCATCCAGGTGATAAACAA[C>T]ATCCAACCACTTAAAATATAATTGAAGCAGCCCAGATGATCTTCCACAACCTGTGATCTA-3'
Protein context (NP_149115.2, residues 471-484): IRIAHPGDKQ[His481Tyr]PTT